The following is an entry in ClinVar:

NM_025114.4(CEP290):c.7237C>A (p.Leu2413Met)

Genes: CEP290 (centrosomal protein 290; minus strand), RLIG1 (RNA 5'-phosphate and 3'-OH ligase 1; plus strand). Cytogenetic location: 12q21.32.
Variant type: single nucleotide variant.
Coding change: c.7237C>A on transcript NM_025114.4 (MANE Select); coding-DNA position 7237, C replaced by A.
Protein change: p.Leu2413Met; replaces leucine 2413 with methionine.
Molecular consequence: missense variant. On other transcripts: 3 prime UTR variant (1).
Genome position (GRCh38, 1-based): chr12:88,049,387, G>T on the plus strand (C>A on the coding strand, the complement: CEP290 is on the minus strand). VCF-style: chr12-88049387-G-T. GRCh37 (hg19) VCF-style: chr12-88443164-G-T.
Other names: c.*965G>T (NM_001009894.3); short protein forms L2413M.
Identifiers: ClinVar variation 1385035 (VCV001385035.6), dbSNP rs2136547632, ClinGen allele CA385973216.

ClinVar aggregate classification (germline): Uncertain significance (1 of 4 stars; one submission).

Conditions:
Joubert syndrome. Also called: CEREBELLOPARENCHYMAL DISORDER IV; JOUBERT-BOLTSHAUSER SYNDROME; Familial aplasia of the vermis. Identifiers: Orphanet 475, MedGen C5979921, MONDO:0018772.
Nephronophthisis. Also called: Juvenile Nephronophthisis. Identifiers: Orphanet 655, MedGen C0687120, MONDO:0019005, HP:0000090.
Meckel-Gruber syndrome. Also called: DYSENCEPHALIA SPLANCHNOCYSTICA; GRUBER SYNDROME; Dysencephalia splachnocystica. Identifiers: Orphanet 564, MedGen C0265215, MONDO:0018921.

Submission:

Labcorp Genetics (formerly Invitae), Labcorp
Classification: Uncertain significance for Joubert syndrome; Meckel-Gruber syndrome; Nephronophthisis. Last evaluated: 2021-10-07. Review status: criteria provided, single submitter. Criteria: Invitae Variant Classification Sherloc (09022015). Collection method: clinical testing. Allele origin: germline.
Comment: Algorithms developed to predict the effect of missense changes on protein structure and function are either unavailable or do not agree on the potential impact of this missense change (SIFT: "Deleterious"; PolyPhen-2: "Probably Damaging"; Align-GVGD: "Class C0"). In summary, the available evidence is currently insufficient to determine the role of this variant in disease. Therefore, it has been classified as a Variant of Uncertain Significance. This variant is not present in population databases (ExAC no frequency). This sequence change replaces leucine with methionine at codon 2413 of the CEP290 protein (p.Leu2413Met). The leucine residue is highly conserved and there is a small physicochemical difference between leucine and methionine. This variant has not been reported in the literature in individuals affected with CEP290-related conditions.